The following is an entry in ClinVar:

ClinVar aggregate classification (germline): Likely pathogenic (1 of 4 stars; one submission).

Submission:

Dasa
Classification: Likely pathogenic. Last evaluated: 2025-09-03. Review status: criteria provided, single submitter. Criteria: DASA Assertion Criteria. Collection method: clinical testing. Allele origin: germline.
Comment: NM_020745.4(AARS2):c.723G>A (p.Trp241*) is a nonsense variant in AARS2 predicted to introduce a premature termination codon and is predicted to result in an absent or altered protein product. Loss of function is an established disease mechanism for AARS2-associated disorders. Also, this variant is absent from population databases. Based on the currently available evidence, this variant is classified as likely pathogenic.

NM_020745.4(AARS2):c.723G>A (p.Trp241Ter)

Gene: AARS2 (alanyl-tRNA synthetase 2, mitochondrial; minus strand). Cytogenetic location: 6p21.1.
Variant type: single nucleotide variant.
Coding change: c.723G>A on transcript NM_020745.4 (MANE Select); coding-DNA position 723, G replaced by A.
Protein change: p.Trp241Ter; replaces tryptophan 241 with a stop codon.
Molecular consequence: nonsense.
Genome position (GRCh38, 1-based): chr6:44,311,020, C>T on the plus strand (G>A on the coding strand, the complement: AARS2 is on the minus strand). VCF-style: chr6-44311020-C-T. GRCh37 (hg19) VCF-style: chr6-44278757-C-T.
Other names: short protein forms W241*.
Identifiers: ClinVar variation 4881046 (VCV004881046.2).
Genomic context (GRCh38, chr6:44,311,020, plus strand): 5'-CAGGGATTCTCATCCTGCTTCAGCACCCTATTACCTGTTGTGTTGCATGAAGACCAGGTT[C>T]CAAAGCTCTACCAGCTGGGGGGCTCCCACCCCACCAGCAAGGTCGTAGTGGATCTCAGTA-3'